The following is an entry in ClinVar:

NM_000059.4(BRCA2):c.1022G>C (p.Cys341Ser)

Gene: BRCA2 (BRCA2 DNA repair associated; plus strand). Cytogenetic location: 13q13.1.
Variant type: single nucleotide variant.
Coding change: c.1022G>C on transcript NM_000059.4 (MANE Select); coding-DNA position 1022, G replaced by C.
Protein change: p.Cys341Ser; replaces cysteine 341 with serine.
Molecular consequence: missense variant.
Genome position (GRCh38, 1-based): chr13:32,332,500, G>C. VCF-style: chr13-32332500-G-C. GRCh37 (hg19) VCF-style: chr13-32906637-G-C.
Other names: short protein forms C341S.
Identifiers: ClinVar variation 231628 (VCV000231628.8), dbSNP rs80358403, ClinGen allele CA10579478.
Genomic context (GRCh38, chr13:32,332,500, plus strand): 5'-AAAAAGTAAGAACTAGCAAGACTAGGAAAAAAATTTTCCATGAAGCAAACGCTGATGAAT[G>C]TGAAAAATCTAAAAACCAAGTGAAAGAAAAATACTCATTTGTATCTGAAGTGGAACCAAA-3'
Protein context (NP_000050.3, residues 331-351): KIFHEANADE[Cys341Ser]EKSKNQVKEK

ClinVar aggregate classification (germline): Conflicting classifications of pathogenicity. Review status: criteria provided, conflicting classifications (1 of 4 stars). 2 submissions from 2 submitters: Uncertain significance (1); Likely benign (1). Last evaluated 2023-03-23.

Conditions:
Hereditary cancer-predisposing syndrome. Also called: Neoplastic Syndromes, Hereditary; Tumor predisposition; Hereditary Cancer Syndrome; Hereditary neoplastic syndrome. Identifiers: Orphanet 140162, MedGen C0027672, MeSH D009386, MONDO:0015356.

Submissions (2):

University of Washington Department of Laboratory Medicine, University of Washington
Classification: Likely benign for Hereditary cancer-predisposing syndrome. Last evaluated: 2023-03-23. Review status: criteria provided, single submitter. Criteria: Dines et al. (Genet Med. 2020). Collection method: curation. Allele origin: germline.
Comment: Missense variant in a coldspot region where missense variants are very unlikely to be pathogenic (PMID:31911673).

BRCA2 exon 10 coldspot. Reclassification based on statistical prior probability.

Ambry Genetics
Classification: Uncertain significance for Hereditary cancer-predisposing syndrome. Last evaluated: 2023-03-04. Review status: criteria provided, single submitter. Criteria: Ambry Variant Classification Scheme 2023. Collection method: clinical testing. Allele origin: germline.
Comment: The p.C341S variant (also known as c.1022G>C), located in coding exon 9 of the BRCA2 gene, results from a G to C substitution at nucleotide position 1022. The cysteine at codon 341 is replaced by serine, an amino acid with dissimilar properties. This amino acid position is poorly conserved in available vertebrate species. In addition, this alteration is predicted to be tolerated by in silico analysis. Since supporting evidence is limited at this time, the clinical significance of this alteration remains unclear.

Literature cited by the submitters: PubMed 27628236 (cited by Ambry Genetics).